The following is an entry in ClinVar:

ClinVar aggregate classification (germline): Benign (0 of 4 stars; one submission).

Conditions:
CDH19-related disorder. Also called: CDH19-related condition.

Allele frequency attached by ClinVar (database versions not stated): gnomAD 0.00519; 1000 Genomes Project 0.00539; TOPMed 0.00560; ESP Exome Variant Server 0.00577; 1000 Genomes Project 30x 0.00609.
gnomAD v4.1: 1,464 of 1,613,510 alleles (0.091%); highest among the groups gnomAD compares: African/African-American, 1.7%; 15 homozygotes.

Submission:

PreventionGenetics, part of Exact Sciences
Classification: Benign for CDH19-related condition. Last evaluated: 2019-08-01. Review status: no assertion criteria provided. Collection method: clinical testing. Allele origin: germline.
Comment: This variant is classified as benign based on ACMG/AMP sequence variant interpretation guidelines (Richards et al. 2015 PMID: 25741868, with internal and published modifications).

NM_021153.4(CDH19):c.2134G>A (p.Ala712Thr)

Gene: CDH19 (cadherin 19; minus strand). Cytogenetic location: 18q22.1.
Variant type: single nucleotide variant.
Coding change: c.2134G>A on transcript NM_021153.4 (MANE Select); coding-DNA position 2134, G replaced by A.
Protein change: p.Ala712Thr; replaces alanine 712 with threonine.
Molecular consequence: missense variant. On other transcripts: 3 prime UTR variant (1), non-coding transcript variant (1).
Genome position (GRCh38, 1-based): chr18:66,504,997, C>T on the plus strand (G>A on the coding strand, the complement: CDH19 is on the minus strand). VCF-style: chr18-66504997-C-T. GRCh37 (hg19) VCF-style: chr18-64172234-C-T.
Other names: c.*291G>A (NM_001271028.2); short protein forms A712T.
Identifiers: ClinVar variation 3035276 (VCV003035276.2), dbSNP rs116586793, ClinGen allele CA8991656.
Genomic context (GRCh38, chr18:66,504,997, plus strand): 5'-ATCCAGCTAATGACCCTGTTCCCTCAAAAGCGTAGGTCTGGAGGGAATCAAAAGGAGGGG[C>T]ACACGGATCAGTATTAGCTTCTTCGAGCTTTTCCAGAATGAATTTCCTGAATATGGCACT-3'
Protein context (NP_066976.1, residues 702-722): KLEEANTDPC[Ala712Thr]PPFDSLQTYA